The following is an entry in ClinVar:

NM_005562.3(LAMC2):c.1389_1390del (p.Cys464fs)

Gene: LAMC2 (laminin subunit gamma 2; plus strand). Cytogenetic location: 1q25.3.
Variant type: Deletion.
Coding change: c.1389_1390del on transcript NM_005562.3 (MANE Select); coding-DNA positions 1389 to 1390, 2 bases deleted (CT; older notation c.1389_1390delCT).
Protein change: p.Cys464fs; shifts the reading frame from cysteine 464.
Molecular consequence: frameshift variant.
Genome position (GRCh38, 1-based): chr1:183,227,618-183,227,619, CT deleted. VCF-style (leftmost placement, unchanged base first): chr1-183227617-CCT-C. GRCh37 (hg19) VCF-style: chr1-183196752-CCT-C.
Other names: c.1389_1390del, p.Cys464fs (NM_018891.3); short protein forms C464fs.
Identifiers: ClinVar variation 5015854 (VCV005015854.1).
Genomic context (GRCh38, chr1:183,227,617, plus strand): 5'-CTGACTGCCCAATTGGTTTCTACAACGATCCGCACGACCCCCGCAGCTGCAAGCCATGTC[CCT>C]GTCATAACGGGTTCAGCTGCTCAGTGATGCCGGAGACGGAGGAGGTGGTGTGCAATAACT-3'

ClinVar aggregate classification (germline): Pathogenic (1 of 4 stars; one submission).

Conditions:
Junctional epidermolysis bullosa. Identifiers: Orphanet 305, MedGen C0079301, MONDO:0017612.

Submission:

Myriad Genetics, Inc.
Classification: Pathogenic for Junctional epidermolysis bullosa. Last evaluated: 2026-05-02. Review status: criteria provided, single submitter. Criteria: Myriad Autosomal Dominant, Autosomal Recessive and X-Linked Classification Criteria (2023). Collection method: clinical testing. Allele origin: unknown.
Comment: NM_005562.2(LAMC2):c.1389_1390delCT(C464Sfs*2) is expected to be pathogenic in the context of junctional epidermolysis bullosa, LAMC2-related. This variant is predicted to lead to an abnormal or absent protein product due to the creation of a premature termination codon in LAMC2, a gene where loss-of-function variants are known to be pathogenic. Please note: this variant was assessed in the context of healthy population screening.